The following is an entry in ClinVar:

ClinVar aggregate classification (germline): Uncertain significance. Review status: criteria provided, multiple submitters, no conflicts (2 of 4 stars). 2 submissions from 2 submitters: Uncertain significance (2). Last evaluated 2022-12-05.

Conditions:
Hereditary spastic paraplegia 4. Also called: Spastic Paraplegia 4; Familial spastic paraplegia autosomal dominant 2; Spastic paraplegia 4, autosomal dominant. Identifiers: Orphanet 100985, MedGen C1866855, MONDO:0008438, OMIM 182601.

Submissions (2):

GeneDx
Classification: Uncertain significance. Last evaluated: 2022-12-05. Review status: criteria provided, single submitter. Criteria: GeneDx Variant Classification Process June 2021. Collection method: clinical testing. Allele origin: germline. Affected: yes.
Comment: Not observed at significant frequency in large population cohorts (gnomAD); In silico analysis supports that this missense variant has a deleterious effect on protein structure/function; Observed in a patient with hereditary spastic paraplegia, but it is unknown whether this individual was screened for variants in other genes associated with hereditary spastic paraplegia (Parodi et al., 2018); This variant is associated with the following publications: (PMID: 26094131, 21139634, 35487127, 30476002)

Labcorp Genetics (formerly Invitae), Labcorp
Classification: Uncertain significance for Hereditary spastic paraplegia 4. Last evaluated: 2022-10-27. Review status: criteria provided, single submitter. Criteria: Invitae Variant Classification Sherloc (09022015). Collection method: clinical testing. Allele origin: germline.
Comment: This sequence change replaces glycine, which is neutral and non-polar, with arginine, which is basic and polar, at codon 385 of the SPAST protein (p.Gly385Arg). This variant is not present in population databases (gnomAD no frequency). This missense change has been observed in individual(s) with clinical features of spastic paraplegia (PMID: 30476002). Advanced modeling of protein sequence and biophysical properties (such as structural, functional, and spatial information, amino acid conservation, physicochemical variation, residue mobility, and thermodynamic stability) performed at Invitae indicates that this missense variant is expected to disrupt SPAST protein function. In summary, the available evidence is currently insufficient to determine the role of this variant in disease. Therefore, it has been classified as a Variant of Uncertain Significance.

Literature cited by the submitters: PubMed 30476002 (cited by Labcorp Genetics (formerly Invitae), Labcorp).

NM_014946.4(SPAST):c.1153G>A (p.Gly385Arg)

Gene: SPAST (spastin; plus strand). Cytogenetic location: 2p22.3.
Variant type: single nucleotide variant.
Coding change: c.1153G>A on transcript NM_014946.4 (MANE Select); coding-DNA position 1153, G replaced by A.
Protein change: p.Gly385Arg; replaces glycine 385 with arginine.
Molecular consequence: missense variant.
Genome position (GRCh38, 1-based): chr2:32,127,002, G>A. VCF-style: chr2-32127002-G-A. GRCh37 (hg19) VCF-style: chr2-32352071-G-A.
Other names: c.1150G>A, p.Gly384Arg (NM_001363823.2); c.1054G>A, p.Gly352Arg (NM_001363875.2); c.1057G>A, p.Gly353Arg (NM_001377959.1, NM_199436.2); short protein forms G352R, G353R, G384R, G385R.
Identifiers: ClinVar variation 2504198 (VCV002504198.4), dbSNP rs2148745015, ClinGen allele CA346501304.